The following is an entry in ClinVar:

ClinVar aggregate classification (germline): Uncertain significance (1 of 4 stars; one submission).

Submission:

Seattle Children's Hospital Molecular Genetics Laboratory, Seattle Children's Hospital
Classification: Uncertain significance. Last evaluated: 2021-02-11. Review status: criteria provided, single submitter. Criteria: ACMG Guidelines, 2015. Collection method: clinical testing. Allele origin: germline. Affected: yes.
Comment: This is a rare variant that has not been reported in the medical literature, ClinVar, nor Genome Aggregation databases (Ref 1, 2). The c.1066+3A>T variant is an intronic variant three nucleotides from the splice junction of exon 12 and intron 12. This is an evolutionarily conserved nucleotide (GERP 5.55), and in silico tools (Splice AI) predict it may affect mRNA splicing (Ref 3). A second rare variant in PTPN14 was not identified.

NM_005401.5(PTPN14):c.1066+3A>T

Gene: PTPN14 (protein tyrosine phosphatase non-receptor type 14; minus strand). Cytogenetic location: 1q32.3.
Variant type: single nucleotide variant.
Coding change: c.1066+3A>T on transcript NM_005401.5 (MANE Select); 3 bases into the intron after coding-DNA position 1066, A replaced by T.
Molecular consequence: intron variant.
Genome position (GRCh38, 1-based): chr1:214,386,841, T>A on the plus strand (A>T on the coding strand, the complement: PTPN14 is on the minus strand). VCF-style: chr1-214386841-T-A. GRCh37 (hg19) VCF-style: chr1-214560184-T-A.
Identifiers: ClinVar variation 1691326 (VCV001691326.2), dbSNP rs2102542898, ClinGen allele CA2573131519.
Genomic context (GRCh38, chr1:214,386,841, plus strand): 5'-CTTTACTGCTTACTGGTATTCAACTTTTTGTCTTAAGAAGGGAGAACGGCAAGCCAGAGT[T>A]ACCTTGCGAGGTGTGCGTTTCCGAGTAGTGCTCACCACACTGGACGTGAACGGGAGGCAG-3'